The following is an entry in ClinVar:

NM_017617.5(NOTCH1):c.1784A>C (p.Tyr595Ser)

Gene: NOTCH1 (notch receptor 1; minus strand). Cytogenetic location: 9q34.3.
Variant type: single nucleotide variant.
Coding change: c.1784A>C on transcript NM_017617.5 (MANE Select); coding-DNA position 1784, A replaced by C.
Protein change: p.Tyr595Ser; replaces tyrosine 595 with serine.
Molecular consequence: missense variant.
Genome position (GRCh38, 1-based): chr9:136,515,602, T>G on the plus strand (A>C on the coding strand, the complement: NOTCH1 is on the minus strand). VCF-style: chr9-136515602-T-G. GRCh37 (hg19) VCF-style: chr9-139410054-T-G.
Other names: short protein forms Y595S.
Identifiers: ClinVar variation 4121663 (VCV004121663.1).

ClinVar aggregate classification (germline): Uncertain significance (1 of 4 stars; one submission).

Conditions:
Familial thoracic aortic aneurysm and aortic dissection (TAAD). Also called: Thoracic aortic aneurysms and dissections. Identifiers: Orphanet 91387, MedGen C4707243, MONDO:0019625.

gnomAD v4.1: 4 of 1,609,872 alleles (0.00025%); highest among the groups gnomAD compares: Non-Finnish European, 0.00034%; no homozygotes.

Submission:

Ambry Genetics
Classification: Uncertain significance for Familial thoracic aortic aneurysm and aortic dissection. Last evaluated: 2025-08-20. Review status: criteria provided, single submitter. Criteria: Ambry Variant Classification Scheme 2023. Collection method: clinical testing. Allele origin: germline.
Comment: The p.Y595S variant (also known as c.1784A>C), located in coding exon 11 of the NOTCH1 gene, results from an A to C substitution at nucleotide position 1784. The tyrosine at codon 595 is replaced by serine, an amino acid with dissimilar properties. This amino acid position is conserved. In addition, this alteration is predicted to be deleterious by in silico analysis. Based on the available evidence, the clinical significance of this variant remains unclear.